The following is an entry in ClinVar:

NM_004415.4(DSP):c.7831G>A (p.Asp2611Asn)

Gene: DSP (desmoplakin; plus strand). Cytogenetic location: 6p24.3.
Variant type: single nucleotide variant.
Coding change: c.7831G>A on transcript NM_004415.4 (MANE Select); coding-DNA position 7831, G replaced by A.
Protein change: p.Asp2611Asn; replaces aspartic acid 2611 with asparagine.
Molecular consequence: missense variant.
Genome position (GRCh38, 1-based): chr6:7,585,093, G>A. VCF-style: chr6-7585093-G-A. GRCh37 (hg19) VCF-style: chr6-7585326-G-A.
Other names: c.6034G>A, p.Asp2012Asn (NM_001008844.3); c.6502G>A, p.Asp2168Asn (NM_001319034.2); short protein forms D2012N, D2168N, D2611N.
Identifiers: ClinVar variation 4756475 (VCV004756475.1).
Genomic context (GRCh38, chr6:7,585,093, plus strand): 5'-AGTAAGATTTCCACCATATCCAGCGTCAGGAATTTAACCATAAGGAGCAGCTCTTTTTCA[G>A]ACACCCTGGAAGAATCGAGCCCCATTGCAGCCATCTTTGACACAGAAAACCTGGAGAAAA-3'
Protein context (NP_004406.2, residues 2601-2621): NLTIRSSSFS[Asp2611Asn]TLEESSPIAA

ClinVar aggregate classification (germline): Uncertain significance (1 of 4 stars; one submission).

Conditions:
Cardiomyopathy (CMYO). Also called: Cardiomyopathies. Identifiers: Orphanet 167848, MedGen C0878544, MONDO:0004994, HP:0001638. Inheritance: Various modes of inheritance.

Submission:

Color Diagnostics, LLC DBA Color Health
Classification: Uncertain significance for Cardiomyopathy. Last evaluated: 2025-09-14. Review status: criteria provided, single submitter. Criteria: ACMG Guidelines, 2015. Collection method: clinical testing. Allele origin: germline.
Comment: This missense variant replaces aspartic acid with asparagine at codon 2611 of the DSP protein. Computational prediction suggests that this variant may not impact protein structure and function. To our knowledge, functional studies have not been reported for this variant. This variant has not been reported in individuals affected with DSP-related disorders in the literature. This variant has been identified in 6/282504 chromosomes in the general population by the Genome Aggregation Database (gnomAD). The available evidence is insufficient to determine the role of this variant in disease conclusively. Therefore, this variant is classified as a Variant of Uncertain Significance.